The following is an entry in ClinVar:

ClinVar aggregate classification (germline): Uncertain significance. Review status: criteria provided, multiple submitters, no conflicts (2 of 4 stars). 2 submissions from 2 submitters: Uncertain significance (2). Last evaluated 2025-11-13.

Allele frequency attached by ClinVar (database versions not stated): TOPMed 0.00002.
gnomAD v4.1: 3 of 1,613,018 alleles (0.00019%); no homozygotes.

Submissions (2):

Ambry Genetics
Classification: Uncertain significance. Last evaluated: 2025-11-13. Review status: criteria provided, single submitter. Criteria: Ambry Variant Classification Scheme 2023. Collection method: clinical testing. Allele origin: germline.

Labcorp Genetics (formerly Invitae), Labcorp
Classification: Uncertain significance. Last evaluated: 2022-06-20. Review status: criteria provided, single submitter. Criteria: Invitae Variant Classification Sherloc (09022015). Collection method: clinical testing. Allele origin: germline.
Comment: In summary, the available evidence is currently insufficient to determine the role of this variant in disease. Therefore, it has been classified as a Variant of Uncertain Significance. Algorithms developed to predict the effect of missense changes on protein structure and function (SIFT, PolyPhen-2, Align-GVGD) all suggest that this variant is likely to be tolerated. This variant has not been reported in the literature in individuals affected with HMCN1-related conditions. This variant is not present in population databases (gnomAD no frequency). This sequence change replaces glutamine, which is neutral and polar, with lysine, which is basic and polar, at codon 2454 of the HMCN1 protein (p.Gln2454Lys).

NM_031935.3(HMCN1):c.7360C>A (p.Gln2454Lys)

Gene: HMCN1 (hemicentin 1; plus strand). Cytogenetic location: 1q31.1.
Variant type: single nucleotide variant.
Coding change: c.7360C>A on transcript NM_031935.3 (MANE Select); coding-DNA position 7360, C replaced by A.
Protein change: p.Gln2454Lys; replaces glutamine 2454 with lysine.
Molecular consequence: missense variant.
Genome position (GRCh38, 1-based): chr1:186,061,898, C>A. VCF-style: chr1-186061898-C-A. GRCh37 (hg19) VCF-style: chr1-186031030-C-A.
Other names: c.7360C>A (NM_031935.2); short protein forms Q2454K.
Identifiers: ClinVar variation 2049414 (VCV002049414.5), dbSNP rs1657729123, ClinGen allele CA343904738.